The following is an entry in ClinVar:

ClinVar aggregate classification (germline): Likely benign (1 of 4 stars; one submission).

Submission:

GeneDx
Classification: Likely benign. Last evaluated: 2021-10-27. Review status: criteria provided, single submitter. Criteria: GeneDx Variant Classification Process June 2021. Collection method: clinical testing. Allele origin: germline. Affected: yes.
Comment: See Variant Classification Assertion Criteria.

NM_015214.3(DDHD2):c.1618-63dup

Gene: DDHD2 (DDHD domain containing 2; plus strand). Cytogenetic location: 8p11.23.
Variant type: Duplication.
Coding change: c.1618-63dup on transcript NM_015214.3 (MANE Select); 63 bases into the intron before coding-DNA position 1618, one base duplicated (A; older notation c.1618-63dupA).
Molecular consequence: intron variant.
Genome position (GRCh38, 1-based): chr8:38,252,659, A duplicated; the last of 18 consecutive A bases (chr8:38,252,642-38,252,659); duplicating any one gives the same sequence. VCF-style (leftmost placement, unchanged base first): chr8-38252641-C-CA. GRCh37 (hg19) VCF-style: chr8-38110159-C-CA.
Other names: c.1618-63dup (NM_001362914.2, NM_001362912.2, NM_001362911.2 and 1 more transcripts); c.1528-63dup (NM_001362913.2).
Identifiers: ClinVar variation 1683832 (VCV001683832.2), dbSNP rs200837621, ClinGen allele CA460382686.